The following is an entry in ClinVar:

ClinVar aggregate classification (germline): Uncertain significance. Review status: criteria provided, multiple submitters, no conflicts (2 of 4 stars). 2 submissions from 2 submitters: Uncertain significance (2). Last evaluated 2024-11-21.

Conditions:
Brown-Vialetto-van Laere syndrome 2. Also called: SPINOCEREBELLAR ATAXIA WITH BLINDNESS AND DEAFNESS 2; Riboflavin transporter deficiency type 2. Identifiers: Orphanet 572543, Orphanet 97229, MedGen C3553538, MONDO:0013867, OMIM 614707.
Inborn genetic diseases. Identifiers: MedGen C0950123, MeSH D030342.

Allele frequency attached by ClinVar (database versions not stated): ExAC 0.00002; gnomAD 0.00007; TOPMed 0.00008.

Submissions (2):

Ambry Genetics
Classification: Uncertain significance for Inborn genetic diseases. Last evaluated: 2024-11-21. Review status: criteria provided, single submitter. Criteria: Ambry Variant Classification Scheme 2023. Collection method: clinical testing. Allele origin: germline.

Labcorp Genetics (formerly Invitae), Labcorp
Classification: Uncertain significance for Brown-Vialetto-van Laere syndrome 2. Last evaluated: 2022-05-13. Review status: criteria provided, single submitter. Criteria: Invitae Variant Classification Sherloc (09022015). Collection method: clinical testing. Allele origin: germline.
Comment: This sequence change replaces alanine, which is neutral and non-polar, with serine, which is neutral and polar, at codon 17 of the SLC52A2 protein (p.Ala17Ser). This variant is present in population databases (rs782648526, gnomAD 0.03%). This variant has not been reported in the literature in individuals affected with SLC52A2-related conditions. Algorithms developed to predict the effect of missense changes on protein structure and function (SIFT, PolyPhen-2, Align-GVGD) all suggest that this variant is likely to be disruptive. In summary, the available evidence is currently insufficient to determine the role of this variant in disease. Therefore, it has been classified as a Variant of Uncertain Significance.

NM_001363118.2(SLC52A2):c.49G>T (p.Ala17Ser)

Gene: SLC52A2 (solute carrier family 52 member 2; plus strand). Cytogenetic location: 8q24.3.
Variant type: single nucleotide variant.
Coding change: c.49G>T on transcript NM_001363118.2 (MANE Select); coding-DNA position 49, G replaced by T.
Protein change: p.Ala17Ser; replaces alanine 17 with serine.
Molecular consequence: missense variant.
Genome position (GRCh38, 1-based): chr8:144,359,342, G>T. VCF-style: chr8-144359342-G-T. GRCh37 (hg19) VCF-style: chr8-145583002-G-T.
Other names: c.49G>T, p.Ala17Ser (NM_001253815.2, NM_001253816.2, NM_001363120.2 and 3 more transcripts); c.49G>T (NM_024531.3); short protein forms A17S.
Identifiers: ClinVar variation 2061559 (VCV002061559.2), dbSNP rs782648526, ClinGen allele CA4938075.